The following is an entry in ClinVar:

ClinVar aggregate classification (germline): Uncertain significance (1 of 4 stars; one submission).

Submission:

Labcorp Genetics (formerly Invitae), Labcorp
Classification: Uncertain significance. Last evaluated: 2021-05-18. Review status: criteria provided, single submitter. Criteria: Invitae Variant Classification Sherloc (09022015). Collection method: clinical testing. Allele origin: germline.
Comment: This variant is not present in population databases (ExAC no frequency). This sequence change replaces aspartic acid with valine at codon 1427 of the ABCC8 protein (p.Asp1427Val). The aspartic acid residue is highly conserved and there is a large physicochemical difference between aspartic acid and valine. This variant has not been reported in the literature in individuals with ABCC8-related conditions. In summary, the available evidence is currently insufficient to determine the role of this variant in disease. Therefore, it has been classified as a Variant of Uncertain Significance. Algorithms developed to predict the effect of sequence changes on RNA splicing suggest that this variant may create or strengthen a splice site, but this prediction has not been confirmed by published transcriptional studies. Advanced modeling of protein sequence and biophysical properties (such as structural, functional, and spatial information, amino acid conservation, physicochemical variation, residue mobility, and thermodynamic stability) performed at Invitae indicates that this missense variant is expected to disrupt ABCC8 protein function.

NM_000352.6(ABCC8):c.4280A>T (p.Asp1427Val)

Gene: ABCC8 (ATP binding cassette subfamily C member 8; minus strand). Cytogenetic location: 11p15.1.
Variant type: single nucleotide variant.
Coding change: c.4280A>T on transcript NM_000352.6 (MANE Select); coding-DNA position 4280, A replaced by T.
Protein change: p.Asp1427Val; replaces aspartic acid 1427 with valine.
Molecular consequence: missense variant. On other transcripts: non-coding transcript variant (1).
Genome position (GRCh38, 1-based): chr11:17,395,637, T>A on the plus strand (A>T on the coding strand, the complement: ABCC8 is on the minus strand). VCF-style: chr11-17395637-T-A. GRCh37 (hg19) VCF-style: chr11-17417184-T-A.
Other names: c.4283A>T, p.Asp1428Val (NM_001287174.3); c.4346A>T, p.Asp1449Val (NM_001351295.2); c.4280A>T, p.Asp1427Val (NM_001351296.2); c.4277A>T, p.Asp1426Val (NM_001351297.2); short protein forms D1426V, D1427V, D1428V, D1449V.
Identifiers: ClinVar variation 1492056 (VCV001492056.8), dbSNP rs1591709652, ClinGen allele CA379786505.